The following is an entry in ClinVar:

NM_000814.6(GABRB3):c.771A>G (p.Ile257Met)

Gene: GABRB3 (gamma-aminobutyric acid type A receptor subunit beta3; minus strand). Cytogenetic location: 15q12.
Variant type: single nucleotide variant.
Coding change: c.771A>G on transcript NM_000814.6 (MANE Select); coding-DNA position 771, A replaced by G.
Protein change: p.Ile257Met; replaces isoleucine 257 with methionine.
Molecular consequence: missense variant.
Genome position (GRCh38, 1-based): chr15:26,567,645, T>C on the plus strand (A>G on the coding strand, the complement: GABRB3 is on the minus strand). VCF-style: chr15-26567645-T-C. GRCh37 (hg19) VCF-style: chr15-26812792-T-C.
Other names: c.516A>G, p.Ile172Met (NM_001191320.2, NM_001278631.2); c.558A>G, p.Ile186Met (NM_001191321.3); c.771A>G, p.Ile257Met (NM_021912.5); short protein forms I172M, I186M, I257M.
Identifiers: ClinVar variation 1212578 (VCV001212578.3), dbSNP rs2140696739, ClinGen allele CA391463200.

ClinVar aggregate classification (germline): Likely pathogenic (1 of 4 stars; one submission).

Submission:

GeneDx
Classification: Likely pathogenic. Last evaluated: 2019-08-20. Review status: criteria provided, single submitter. Criteria: GeneDx Variant Classification Process June 2021. Collection method: clinical testing. Allele origin: germline. Affected: yes.
Comment: Not observed in large population cohorts (Lek et al., 2016); In silico analysis, which includes protein predictors and evolutionary conservation, supports a deleterious effect; Missense variants in nearby residues reported in the Human Gene Mutation Database (Stenson et al., 2014); Has not been previously published as pathogenic or benign to our knowledge